The following continues an entry in ClinVar:

NM_012414.4(RAB3GAP2):c.2587A>G (p.Thr863Ala)

Gene: RAB3GAP2. ClinVar aggregate classification (germline): Benign. Benign (8).

Submissions 30 to 59 of 59:

Dr. Peter K. Rogan Lab, Western University
No classification provided (evidence only). Condition: Nonpapillary renal cell carcinoma. Review status: no classification provided. Collection method: in vitro. Allele origin: not applicable. Functional consequence: retained intron. Not counted in ClinVar's aggregate classification.

Dr. Peter K. Rogan Lab, Western University
No classification provided (evidence only). Condition: Thymoma. Review status: no classification provided. Collection method: in vitro. Allele origin: not applicable. Functional consequence: retained intron. Not counted in ClinVar's aggregate classification.

Dr. Peter K. Rogan Lab, Western University
No classification provided (evidence only). Condition: Thymoma. Review status: no classification provided. Collection method: in vitro. Allele origin: not applicable. Functional consequence: retained intron. Not counted in ClinVar's aggregate classification.

Dr. Peter K. Rogan Lab, Western University
No classification provided (evidence only). Condition: Cholangiocarcinoma. Review status: no classification provided. Collection method: in vitro. Allele origin: not applicable. Functional consequence: retained intron. Not counted in ClinVar's aggregate classification.

Dr. Peter K. Rogan Lab, Western University
No classification provided (evidence only). Condition: Cholangiocarcinoma. Review status: no classification provided. Collection method: in vitro. Allele origin: not applicable. Functional consequence: retained intron. Not counted in ClinVar's aggregate classification.

Dr. Peter K. Rogan Lab, Western University
No classification provided (evidence only). Condition: Uterine carcinosarcoma. Review status: no classification provided. Collection method: in vitro. Allele origin: not applicable. Functional consequence: retained intron. Not counted in ClinVar's aggregate classification.

Dr. Peter K. Rogan Lab, Western University
No classification provided (evidence only). Condition: Chronic lymphocytic leukemia/small lymphocytic lymphoma. Review status: no classification provided. Collection method: in vitro. Allele origin: not applicable. Functional consequence: retained intron. Not counted in ClinVar's aggregate classification.

Dr. Peter K. Rogan Lab, Western University
No classification provided (evidence only). Condition: Chronic lymphocytic leukemia/small lymphocytic lymphoma. Review status: no classification provided. Collection method: in vitro. Allele origin: not applicable. Functional consequence: retained intron. Not counted in ClinVar's aggregate classification.

Dr. Peter K. Rogan Lab, Western University
No classification provided (evidence only). Condition: Chronic lymphocytic leukemia/small lymphocytic lymphoma. Review status: no classification provided. Collection method: in vitro. Allele origin: not applicable. Functional consequence: retained intron. Not counted in ClinVar's aggregate classification.

Dr. Peter K. Rogan Lab, Western University
No classification provided (evidence only). Condition: Chronic lymphocytic leukemia/small lymphocytic lymphoma. Review status: no classification provided. Collection method: in vitro. Allele origin: not applicable. Functional consequence: skipped exon, retained intron. Not counted in ClinVar's aggregate classification.

Dr. Peter K. Rogan Lab, Western University
No classification provided (evidence only). Condition: Chronic lymphocytic leukemia/small lymphocytic lymphoma. Review status: no classification provided. Collection method: in vitro. Allele origin: not applicable. Functional consequence: skipped exon, retained intron. Not counted in ClinVar's aggregate classification.

Dr. Peter K. Rogan Lab, Western University
No classification provided (evidence only). Condition: Nonpapillary renal cell carcinoma. Review status: no classification provided. Collection method: in vitro. Allele origin: not applicable. Functional consequence: retained intron. Not counted in ClinVar's aggregate classification.

Dr. Peter K. Rogan Lab, Western University
No classification provided (evidence only). Condition: Familial pancreatic carcinoma. Review status: no classification provided. Collection method: in vitro. Allele origin: not applicable. Functional consequence: retained intron. Not counted in ClinVar's aggregate classification.

Dr. Peter K. Rogan Lab, Western University
No classification provided (evidence only). Condition: Familial pancreatic carcinoma. Review status: no classification provided. Collection method: in vitro. Allele origin: not applicable. Functional consequence: retained intron. Not counted in ClinVar's aggregate classification.

Dr. Peter K. Rogan Lab, Western University
No classification provided (evidence only). Condition: Familial pancreatic carcinoma. Review status: no classification provided. Collection method: in vitro. Allele origin: not applicable. Functional consequence: retained intron. Not counted in ClinVar's aggregate classification.

Dr. Peter K. Rogan Lab, Western University
No classification provided (evidence only). Condition: Hepatocellular carcinoma. Review status: no classification provided. Collection method: in vitro. Allele origin: not applicable. Functional consequence: retained intron. Not counted in ClinVar's aggregate classification.

Dr. Peter K. Rogan Lab, Western University
No classification provided (evidence only). Condition: Hepatocellular carcinoma. Review status: no classification provided. Collection method: in vitro. Allele origin: not applicable. Functional consequence: retained intron. Not counted in ClinVar's aggregate classification.

Dr. Peter K. Rogan Lab, Western University
No classification provided (evidence only). Condition: Hepatocellular carcinoma. Review status: no classification provided. Collection method: in vitro. Allele origin: not applicable. Functional consequence: retained intron. Not counted in ClinVar's aggregate classification.

Dr. Peter K. Rogan Lab, Western University
No classification provided (evidence only). Condition: Lymphoma. Review status: no classification provided. Collection method: in vitro. Allele origin: not applicable. Functional consequence: retained intron. Not counted in ClinVar's aggregate classification.

Dr. Peter K. Rogan Lab, Western University
No classification provided (evidence only). Condition: Lymphoma. Review status: no classification provided. Collection method: in vitro. Allele origin: not applicable. Functional consequence: retained intron. Not counted in ClinVar's aggregate classification.

Dr. Peter K. Rogan Lab, Western University
No classification provided (evidence only). Condition: Lymphoma. Review status: no classification provided. Collection method: in vitro. Allele origin: not applicable. Functional consequence: retained intron. Not counted in ClinVar's aggregate classification.

Dr. Peter K. Rogan Lab, Western University
No classification provided (evidence only). Condition: Lymphoma. Review status: no classification provided. Collection method: in vitro. Allele origin: not applicable. Functional consequence: retained intron. Not counted in ClinVar's aggregate classification.

Dr. Peter K. Rogan Lab, Western University
No classification provided (evidence only). Condition: Lymphoma. Review status: no classification provided. Collection method: in vitro. Allele origin: not applicable. Functional consequence: retained intron. Not counted in ClinVar's aggregate classification.

Dr. Peter K. Rogan Lab, Western University
No classification provided (evidence only). Condition: Lymphoma. Review status: no classification provided. Collection method: in vitro. Allele origin: not applicable. Functional consequence: retained intron. Not counted in ClinVar's aggregate classification.

Dr. Peter K. Rogan Lab, Western University
No classification provided (evidence only). Condition: Lymphoma. Review status: no classification provided. Collection method: in vitro. Allele origin: not applicable. Functional consequence: retained intron. Not counted in ClinVar's aggregate classification.

Dr. Peter K. Rogan Lab, Western University
No classification provided (evidence only). Condition: Ovarian cancer. Review status: no classification provided. Collection method: in vitro. Allele origin: not applicable. Functional consequence: retained intron. Not counted in ClinVar's aggregate classification.

Dr. Peter K. Rogan Lab, Western University
No classification provided (evidence only). Condition: Ovarian cancer. Review status: no classification provided. Collection method: in vitro. Allele origin: not applicable. Functional consequence: retained intron. Not counted in ClinVar's aggregate classification.

Dr. Peter K. Rogan Lab, Western University
No classification provided (evidence only). Condition: Ovarian cancer. Review status: no classification provided. Collection method: in vitro. Allele origin: not applicable. Functional consequence: skipped exon, retained intron. Not counted in ClinVar's aggregate classification.

Genetic Services Laboratory, University of Chicago
Classification: Likely benign for AllHighlyPenetrant. Review status: no assertion criteria provided. Collection method: clinical testing. Allele origin: germline. Inheritance: Autosomal recessive inheritance. Not counted in ClinVar's aggregate classification.
Comment: Likely benign based on allele frequency in 1000 Genomes Project or ESP global frequency and its presence in a patient with a rare or unrelated disease phenotype. NOT Sanger confirmed.

Joint Genome Diagnostic Labs from Nijmegen and Maastricht, Radboudumc and MUMC+
Classification: Benign. Review status: no assertion criteria provided. Collection method: clinical testing. Allele origin: germline. Affected: yes. Study: VKGL Data-share Consensus. Not counted in ClinVar's aggregate classification.